The following is an entry in ClinVar:

NM_005677.4(COLQ):c.70C>A (p.Pro24Thr)

Gene: COLQ (collagen like tail subunit of asymmetric acetylcholinesterase; minus strand). Cytogenetic location: 3p25.1.
Variant type: single nucleotide variant.
Coding change: c.70C>A on transcript NM_005677.4 (MANE Select); coding-DNA position 70, C replaced by A.
Protein change: p.Pro24Thr; replaces proline 24 with threonine.
Molecular consequence: missense variant.
Genome position (GRCh38, 1-based): chr3:15,521,556, G>T on the plus strand (C>A on the coding strand, the complement: COLQ is on the minus strand). VCF-style: chr3-15521556-G-T. GRCh37 (hg19) VCF-style: chr3-15563063-G-T.
Other names: c.70C>A, p.Pro24Thr (NM_080539.4); short protein forms P24T.
Identifiers: ClinVar variation 1948943 (VCV001948943.3), dbSNP rs2471011630, ClinGen allele CA351603718.

ClinVar aggregate classification (germline): Uncertain significance (1 of 4 stars; one submission).

Conditions:
Congenital myasthenic syndrome 5. Identifiers: Orphanet 590, MedGen C1864233, MONDO:0011281, OMIM 603034.

Submission:

Labcorp Genetics (formerly Invitae), Labcorp
Classification: Uncertain significance for Congenital myasthenic syndrome 5. Last evaluated: 2022-03-18. Review status: criteria provided, single submitter. Criteria: Invitae Variant Classification Sherloc (09022015). Collection method: clinical testing. Allele origin: germline.
Comment: In summary, the available evidence is currently insufficient to determine the role of this variant in disease. Therefore, it has been classified as a Variant of Uncertain Significance. Algorithms developed to predict the effect of missense changes on protein structure and function output the following: SIFT: "Tolerated"; PolyPhen-2: "Benign"; Align-GVGD: "Class C0". The threonine amino acid residue is found in multiple mammalian species, which suggests that this missense change does not adversely affect protein function. This variant has not been reported in the literature in individuals affected with COLQ-related conditions. This variant is not present in population databases (gnomAD no frequency). This sequence change replaces proline, which is neutral and non-polar, with threonine, which is neutral and polar, at codon 24 of the COLQ protein (p.Pro24Thr).